The following is an entry in ClinVar:

ClinVar aggregate classification (germline): Uncertain significance (1 of 4 stars; one submission).

Conditions:
Ullrich congenital muscular dystrophy 2 (UCMD2). Identifiers: Orphanet 75840, MedGen C4225314, MONDO:0014654, OMIM 616470.
Bethlem myopathy 2 (BTHLM2). Identifiers: Orphanet 536516, Orphanet 610, MedGen C4225313, MONDO:0034022, OMIM 616471.

Allele frequency attached by ClinVar (database versions not stated): 1000 Genomes Project 30x 0.00016.

Submission:

Labcorp Genetics (formerly Invitae), Labcorp
Classification: Uncertain significance for Bethlem myopathy 2; Ullrich congenital muscular dystrophy 2. Last evaluated: 2025-09-03. Review status: criteria provided, single submitter. Criteria: Invitae Variant Classification Sherloc (09022015). Collection method: clinical testing. Allele origin: germline.
Comment: This sequence change replaces valine, which is neutral and non-polar, with leucine, which is neutral and non-polar, at codon 633 of the COL12A1 protein (p.Val633Leu). The frequency data for this variant in the population databases is considered unreliable, as metrics indicate poor data quality at this position in the gnomAD database. This variant has not been reported in the literature in individuals affected with COL12A1-related conditions. ClinVar contains an entry for this variant (Variation ID: 963326). Invitae Evidence Modeling of protein sequence and biophysical properties (such as structural, functional, and spatial information, amino acid conservation, physicochemical variation, residue mobility, and thermodynamic stability) indicates that this missense variant is not expected to disrupt COL12A1 protein function with a negative predictive value of 80%. In summary, the available evidence is currently insufficient to determine the role of this variant in disease. Therefore, it has been classified as a Variant of Uncertain Significance.

NM_004370.6(COL12A1):c.1897G>C (p.Val633Leu)

Gene: COL12A1 (collagen type XII alpha 1 chain; minus strand). Cytogenetic location: 6q13.
Variant type: single nucleotide variant.
Coding change: c.1897G>C on transcript NM_004370.6 (MANE Select); coding-DNA position 1897, G replaced by C.
Protein change: p.Val633Leu; replaces valine 633 with leucine.
Molecular consequence: missense variant. On other transcripts: intron variant (1).
Genome position (GRCh38, 1-based): chr6:75,181,206, C>G on the plus strand (G>C on the coding strand, the complement: COL12A1 is on the minus strand). VCF-style: chr6-75181206-C-G. GRCh37 (hg19) VCF-style: chr6-75890922-C-G.
Other names: c.73+21514G>C (NM_080645.3); short protein forms V633L.
Identifiers: ClinVar variation 963326 (VCV000963326.10), dbSNP rs200315815, ClinGen allele CA3894095.
Genomic context (GRCh38, chr6:75,181,206, plus strand): 5'-ACCAGTTGGTTTTGAAACCATAAGAAGTCACTTCTGAAAAACTAAGATCCTTTGGAGGGA[C>G]GTAAGCTATTTAAAAAAAAAAAAAGACAGTTAAAAATGCTTGAATCTATAAAACAAAACA-3'
Protein context (NP_004361.3, residues 623-643): ELAAIKKKAY[Val633Leu]PPKDLSFSEV